The following is an entry in ClinVar:

NM_012464.5(TLL1):c.1233C>T (p.Asp411=)

Gene: TLL1 (tolloid like 1; plus strand). Cytogenetic location: 4q32.3.
Variant type: single nucleotide variant.
Coding change: c.1233C>T on transcript NM_012464.5 (MANE Select); coding-DNA position 1233, C replaced by T.
Protein change: p.Asp411=; no amino-acid change (aspartic acid 411 retained).
Molecular consequence: synonymous variant.
Genome position (GRCh38, 1-based): chr4:166,039,413, C>T. VCF-style: chr4-166039413-C-T. GRCh37 (hg19) VCF-style: chr4-166960565-C-T.
Identifiers: ClinVar variation 3039650 (VCV003039650.2), dbSNP rs764830976, ClinGen allele CA3130828.

ClinVar aggregate classification (germline): Likely benign (0 of 4 stars; one submission).

Conditions:
TLL1-related disorder. Also called: TLL1-related condition.

Allele frequency attached by ClinVar (database versions not stated): gnomAD 0.00001; ExAC 0.00002; TOPMed 0.00002.
gnomAD v4.1: 40 of 1,612,672 alleles (0.0025%); highest among the groups gnomAD compares: Middle Eastern, 0.016%; no homozygotes.

Submission:

PreventionGenetics, part of Exact Sciences
Classification: Likely benign for TLL1-related condition. Last evaluated: 2019-05-27. Review status: no assertion criteria provided. Collection method: clinical testing. Allele origin: germline.
Comment: This variant is classified as likely benign based on ACMG/AMP sequence variant interpretation guidelines (Richards et al. 2015 PMID: 25741868, with internal and published modifications).